The following is an entry in ClinVar:

ClinVar aggregate classification (germline): Uncertain significance. Review status: criteria provided, multiple submitters, no conflicts (2 of 4 stars). 2 submissions from 2 submitters: Uncertain significance (2). Last evaluated 2024-05-02.

Conditions:
Sucrase-isomaltase deficiency (CSID). Also called: SI DEFICIENCY; Deficiency of isomaltase; Congenital sucrose isomaltose malabsorption; Sucrose isomaltose enzyme deficiency. Identifiers: Orphanet 35122, MedGen C1283620, MONDO:0009114, OMIM 222900.

Allele frequency attached by ClinVar (database versions not stated): ExAC 0.00002; gnomAD 0.00003 and 0.00004; gnomAD exomes 0.00003 and 0.00004; TOPMed 0.00004; ESP Exome Variant Server 0.00008.
gnomAD v4.1: 76 of 1,612,632 alleles (0.0047%); highest among the groups gnomAD compares: Non-Finnish European, 0.0056%; no homozygotes.

Submissions (2):

Fulgent Genetics
Classification: Uncertain significance for Sucrase-isomaltase deficiency. Last evaluated: 2024-05-02. Review status: criteria provided, single submitter. Criteria: ACMG Guidelines, 2015. Collection method: clinical testing. Allele origin: germline.

Labcorp Genetics (formerly Invitae), Labcorp
Classification: Uncertain significance. Last evaluated: 2021-09-21. Review status: criteria provided, single submitter. Criteria: Invitae Variant Classification Sherloc (09022015). Collection method: clinical testing. Allele origin: germline.
Comment: This sequence change replaces arginine with lysine at codon 648 of the SI protein (p.Arg648Lys). The arginine residue is moderately conserved and there is a small physicochemical difference between arginine and lysine. This variant is present in population databases (rs375458342, ExAC 0.003%). This variant has not been reported in the literature in individuals affected with SI-related conditions. Advanced modeling of protein sequence and biophysical properties (such as structural, functional, and spatial information, amino acid conservation, physicochemical variation, residue mobility, and thermodynamic stability) performed at Invitae indicates that this missense variant is expected to disrupt SI protein function. In summary, the available evidence is currently insufficient to determine the role of this variant in disease. Therefore, it has been classified as a Variant of Uncertain Significance.

NM_001041.4(SI):c.1943G>A (p.Arg648Lys)

Gene: SI (sucrase-isomaltase; minus strand). Cytogenetic location: 3q26.1.
Variant type: single nucleotide variant.
Coding change: c.1943G>A on transcript NM_001041.4 (MANE Select); coding-DNA position 1943, G replaced by A.
Protein change: p.Arg648Lys; replaces arginine 648 with lysine.
Molecular consequence: missense variant.
Genome position (GRCh38, 1-based): chr3:165,043,120, C>T on the plus strand (G>A on the coding strand, the complement: SI is on the minus strand). VCF-style: chr3-165043120-C-T. GRCh37 (hg19) VCF-style: chr3-164760908-C-T.
Other names: short protein forms R648K.
Identifiers: ClinVar variation 1361658 (VCV001361658.5), dbSNP rs375458342, ClinGen allele CA2690894.